The following is an entry in ClinVar:

NM_033656.4(BRWD1):c.3104T>C (p.Met1035Thr)

Gene: BRWD1 (bromodomain and WD repeat domain containing 1; minus strand). Cytogenetic location: 21q22.2.
Variant type: single nucleotide variant.
Coding change: c.3104T>C on transcript NM_033656.4 (MANE Select); coding-DNA position 3104, T replaced by C.
Protein change: p.Met1035Thr; replaces methionine 1035 with threonine.
Molecular consequence: missense variant.
Genome position (GRCh38, 1-based): chr21:39,229,333, A>G on the plus strand (T>C on the coding strand, the complement: BRWD1 is on the minus strand). VCF-style: chr21-39229333-A-G. GRCh37 (hg19) VCF-style: chr21-40601259-A-G.
Other names: c.3104T>C, p.Met1035Thr (NM_018963.5); short protein forms M1035T.
Identifiers: ClinVar variation 3040804 (VCV003040804.3), dbSNP rs61739490, ClinGen allele CA10027069.
Genomic context (GRCh38, chr21:39,229,333, plus strand): 5'-TTAAATTTAAGTAATTCCATTTTAAAAAATAATACATACCTAATAGAGAAAGATTTGTCC[A>G]TAAGTTTTCCAGTTGCTGGATCTATAAATGCTAGTTTTAGGCAACAGAGTGTAGGGGGCC-3'
Protein context (NP_387505.1, residues 1025-1045): AFIDPATGKL[Met1035Thr]DKSFSIRYHD

ClinVar aggregate classification (germline): Likely benign. Review status: criteria provided, single submitter (1 of 4 stars). 2 submissions from 2 submitters: Likely benign (1). 1 of the submissions does not count toward it. Last evaluated 2025-09-08.

Conditions:
BRWD1-related disorder. Also called: BRWD1-related condition.

Allele frequency attached by ClinVar (database versions not stated): gnomAD exomes 0.00105; ExAC 0.00113; 1000 Genomes Project 0.00120; 1000 Genomes Project 30x 0.00125; gnomAD 0.00131; ESP Exome Variant Server 0.00146; TOPMed 0.00187.

Submissions (2):

Ambry Genetics
Classification: Likely benign. Last evaluated: 2025-09-08. Review status: criteria provided, single submitter. Criteria: Ambry Variant Classification Scheme 2023. Collection method: clinical testing. Allele origin: germline.

PreventionGenetics, part of Exact Sciences
Classification: Benign for BRWD1-related condition. Last evaluated: 2019-05-06. Review status: no assertion criteria provided. Collection method: clinical testing. Allele origin: germline. Not counted in ClinVar's aggregate classification.
Comment: This variant is classified as benign based on ACMG/AMP sequence variant interpretation guidelines (Richards et al. 2015 PMID: 25741868, with internal and published modifications).